The following is an entry in ClinVar:

NM_001206927.2(DNAH8):c.5561A>G (p.Glu1854Gly)

Gene: DNAH8 (dynein axonemal heavy chain 8; plus strand). Cytogenetic location: 6p21.2.
Variant type: single nucleotide variant.
Coding change: c.5561A>G on transcript NM_001206927.2 (MANE Select); coding-DNA position 5561, A replaced by G.
Protein change: p.Glu1854Gly; replaces glutamic acid 1854 with glycine.
Molecular consequence: missense variant.
Genome position (GRCh38, 1-based): chr6:38,852,788, A>G. VCF-style: chr6-38852788-A-G. GRCh37 (hg19) VCF-style: chr6-38820564-A-G.
Other names: c.4910A>G, p.Glu1637Gly (NM_001371.4); short protein forms E1637G, E1854G.
Identifiers: ClinVar variation 1389479 (VCV001389479.8), dbSNP rs1775863611, ClinGen allele CA364014849.
Genomic context (GRCh38, chr6:38,852,788, plus strand): 5'-AGGTGACATTTCATGCAAAAGACTATGATCGCATCATGGCCGTCATATCAAGAGAAGGAG[A>G]AAAAATTGTTGTAATTTACCTTGCTTTAAATTTTTTTATTAGAATTTCTTTAAAAACTTA-3'
Protein context (NP_001193856.1, residues 1844-1864): RIMAVISREG[Glu1854Gly]KIVLDNSVMA

ClinVar aggregate classification (germline): Uncertain significance (1 of 4 stars; one submission).

Conditions:
Primary ciliary dyskinesia. Also called: Ciliary dyskinesia. Identifiers: Orphanet 244, MedGen C0008780, MONDO:0016575, HP:0012265.

Submission:

Labcorp Genetics (formerly Invitae), Labcorp
Classification: Uncertain significance for Primary ciliary dyskinesia. Last evaluated: 2021-04-22. Review status: criteria provided, single submitter. Criteria: Invitae Variant Classification Sherloc (09022015). Collection method: clinical testing. Allele origin: germline.
Comment: In summary, the available evidence is currently insufficient to determine the role of this variant in disease. Therefore, it has been classified as a Variant of Uncertain Significance. Algorithms developed to predict the effect of missense changes on protein structure and function are either unavailable or do not agree on the potential impact of this missense change (SIFT: "Deleterious"; PolyPhen-2: "Not Available"; Align-GVGD: "Class C0"). This variant has not been reported in the literature in individuals with DNAH8-related conditions. This variant is not present in population databases (ExAC no frequency). This sequence change replaces glutamic acid with glycine at codon 1854 of the DNAH8 protein (p.Glu1854Gly). The glutamic acid residue is highly conserved and there is a moderate physicochemical difference between glutamic acid and glycine.